The following is an entry in ClinVar:

NM_001085487.3(MYSM1):c.2446G>A (p.Gly816Arg)

Gene: MYSM1 (Myb like, SWIRM and MPN domains 1; minus strand). Cytogenetic location: 1p32.1.
Variant type: single nucleotide variant.
Coding change: c.2446G>A on transcript NM_001085487.3 (MANE Select); coding-DNA position 2446, G replaced by A.
Protein change: p.Gly816Arg; replaces glycine 816 with arginine.
Molecular consequence: missense variant.
Genome position (GRCh38, 1-based): chr1:58,660,038, C>T on the plus strand (G>A on the coding strand, the complement: MYSM1 is on the minus strand). VCF-style: chr1-58660038-C-T. GRCh37 (hg19) VCF-style: chr1-59125710-C-T.
Other names: short protein forms G816R.
Identifiers: ClinVar variation 1955613 (VCV001955613.3), dbSNP rs201900540, ClinGen allele CA877523.
Genomic context (GRCh38, chr1:58,660,038, plus strand): 5'-TGTCTTAACTTTAAAATAATCACATTAACAATTCCTTTGTACAGTTCTCTTCGGTTACTC[C>T]ATTCTCTTGGTTGCTTTTATAATTGGAAAGGAACAAATTTTCTATTTCAGTCAAGAATTC-3'
Protein context (NP_001078956.1, residues 806-826): LSNYKSNQEN[Gly816Arg]VTEENCTKEL

ClinVar aggregate classification (germline): Uncertain significance. Review status: criteria provided, multiple submitters, no conflicts (2 of 4 stars). 2 submissions from 2 submitters: Uncertain significance (2). Last evaluated 2022-09-14.

Conditions:
Inborn genetic diseases. Identifiers: MedGen C0950123, MeSH D030342.

Allele frequency attached by ClinVar (database versions not stated): ExAC 0.00002; gnomAD 0.00003; 1000 Genomes Project 30x 0.00016; 1000 Genomes Project 0.00020.
gnomAD v4.1: 12 of 1,607,602 alleles (0.00075%); highest among the groups gnomAD compares: African/African-American, 0.015%; no homozygotes.

Submissions (2):

Ambry Genetics
Classification: Uncertain significance for Inborn genetic diseases. Last evaluated: 2022-09-14. Review status: criteria provided, single submitter. Criteria: Ambry Variant Classification Scheme 2023. Collection method: clinical testing. Allele origin: germline.

Labcorp Genetics (formerly Invitae), Labcorp
Classification: Uncertain significance. Last evaluated: 2022-03-13. Review status: criteria provided, single submitter. Criteria: Invitae Variant Classification Sherloc (09022015). Collection method: clinical testing. Allele origin: germline.
Comment: This sequence change replaces glycine, which is neutral and non-polar, with arginine, which is basic and polar, at codon 816 of the MYSM1 protein (p.Gly816Arg). This variant is present in population databases (rs201900540, gnomAD 0.01%). This variant has not been reported in the literature in individuals affected with MYSM1-related conditions. Algorithms developed to predict the effect of missense changes on protein structure and function are either unavailable or do not agree on the potential impact of this missense change (SIFT: "Deleterious"; PolyPhen-2: "Benign"; Align-GVGD: "Class C0"). In summary, the available evidence is currently insufficient to determine the role of this variant in disease. Therefore, it has been classified as a Variant of Uncertain Significance.